The following is an entry in ClinVar:

ClinVar aggregate classification (germline): Pathogenic/Likely pathogenic. Review status: criteria provided, multiple submitters, no conflicts (2 of 4 stars). 3 submissions from 3 submitters: Pathogenic (2); Likely pathogenic (1). Last evaluated 2024-03-26.

Conditions:
Combined immunodeficiency due to LRBA deficiency. Also called: Common variable immunodeficiency 8, with autoimmunity. Identifiers: Orphanet 445018, MedGen C3553512, MONDO:0013863, OMIM 614700.

Allele frequency attached by ClinVar (database versions not stated): gnomAD exomes below 0.00001; TOPMed below 0.00001; ExAC 0.00001; gnomAD 0.00001; ESP Exome Variant Server 0.00008.
gnomAD v4.1: 5 of 1,609,650 alleles (0.00031%); highest among the groups gnomAD compares: Non-Finnish European, 0.00034%; no homozygotes.

Submissions (3):

Genomic Medicine Center of Excellence, King Faisal Specialist Hospital and Research Centre
Classification: Likely pathogenic for Combined immunodeficiency due to LRBA deficiency. Last evaluated: 2024-03-26. Review status: criteria provided, single submitter. Criteria: ACMG Guidelines, 2015. Collection method: clinical testing. Allele origin: germline.

Labcorp Genetics (formerly Invitae), Labcorp
Classification: Pathogenic for Combined immunodeficiency due to LRBA deficiency. Last evaluated: 2023-05-09. Review status: criteria provided, single submitter. Criteria: Invitae Variant Classification Sherloc (09022015). Collection method: clinical testing. Allele origin: germline.
Comment: This variant is present in population databases (rs368167203, gnomAD 0.007%). For these reasons, this variant has been classified as Pathogenic. This premature translational stop signal has been observed in individual(s) with common variable immunodeficiency (PMID: 32154999). This sequence change creates a premature translational stop signal (p.Arg645*) in the LRBA gene. It is expected to result in an absent or disrupted protein product. Loss-of-function variants in LRBA are known to be pathogenic (PMID: 26206937, 26768763).

Rady Children's Institute for Genomic Medicine, Rady Children's Hospital San Diego
Classification: Pathogenic for IMMUNODEFICIENCY, COMMON VARIABLE, 8, WITH AUTOIMMUNITY. Review status: criteria provided, single submitter. Criteria: ACMG Guidelines, 2015. Collection method: clinical testing. Allele origin: germline. Affected: yes.
Comment: This nonsense variant found in exon 15 of 58 is predicted to result in loss of normal protein function through either protein truncation or nonsense-mediated mRNA decay (NMD). Additionally, immunoblot analysis performed for this patient showed absent LRBA protein expression (PMID: 32154999). Loss-of-function variation in LRBA is an established mechanism of disease (PMID: 32284663, 31883622). The c.1933C>T (p.Arg645Ter) variant is present in the heterozygous state in the gnomAD population database at a frequency of 0.0008% (2/249840) and thus is presumed to be rare. Based on the available evidence, the c.1933C>T (p.Arg645Ter) variant is classified as Pathogenic.

Literature cited by the submitters: PubMed 32154999 (cited by Labcorp Genetics (formerly Invitae), Labcorp); PubMed 26206937 (cited by Labcorp Genetics (formerly Invitae), Labcorp); PubMed 26768763 (cited by Labcorp Genetics (formerly Invitae), Labcorp).

NM_001364905.1(LRBA):c.1933C>T (p.Arg645Ter)

Gene: LRBA (LPS responsive beige-like anchor protein; minus strand). Cytogenetic location: 4q31.3.
Variant type: single nucleotide variant.
Coding change: c.1933C>T on transcript NM_001364905.1 (MANE Select); coding-DNA position 1933, C replaced by T.
Protein change: p.Arg645Ter; replaces arginine 645 with a stop codon.
Molecular consequence: nonsense.
Genome position (GRCh38, 1-based): chr4:150,897,810, G>A on the plus strand (C>T on the coding strand, the complement: LRBA is on the minus strand). VCF-style: chr4-150897810-G-A. GRCh37 (hg19) VCF-style: chr4-151818962-G-A.
Other names: c.1933C>T, p.Arg645Ter (NM_001199282.3, NM_001367550.1, NM_006726.5); short protein forms R645*.
Identifiers: ClinVar variation 2584489 (VCV002584489.5), dbSNP rs368167203, ClinGen allele CA3103423.
Genomic context (GRCh38, chr4:150,897,810, plus strand): 5'-ATTGCTTAATGAACATCAACAAGAATGCTCGTAGAGAAAGCATTTCTTTTTGATTAGGTC[G>A]CGGTCCATCTTTTAAAAAAATATACACATACACATTTAGTATTTAAAGGACCTCAAAGCT-3'